The following is an entry in ClinVar:

ClinVar aggregate classification (germline): Uncertain significance. Review status: criteria provided, multiple submitters, no conflicts (2 of 4 stars). 2 submissions from 2 submitters: Uncertain significance (2). Last evaluated 2025-08-07.

Conditions:
Hereditary cancer-predisposing syndrome. Also called: Hereditary neoplastic syndrome; Tumor predisposition; Hereditary Cancer Syndrome; Neoplastic Syndromes, Hereditary. Identifiers: Orphanet 140162, MedGen C0027672, MeSH D009386, MONDO:0015356.
Gastrointestinal stromal tumor. Also called: Gastrointestinal stroma tumor; Gastrointestinal stromal tumor, somatic. Identifiers: Orphanet 44890, MedGen C0238198, MeSH D046152, MONDO:0011719, OMIM 606764, HP:0100723.

Allele frequency attached by ClinVar (database versions not stated): gnomAD 0.00001; gnomAD exomes 0.00001.
gnomAD v4.1: 6 of 1,558,014 alleles (0.00039%); highest among the groups gnomAD compares: Non-Finnish European, 0.00053%; no homozygotes.

Submissions (2):

Ambry Genetics
Classification: Uncertain significance for Hereditary cancer-predisposing syndrome. Last evaluated: 2025-08-07. Review status: criteria provided, single submitter. Criteria: Ambry Variant Classification Scheme 2023. Collection method: clinical testing. Allele origin: germline.
Comment: The p.R804* variant (also known as c.2410C>T), located in coding exon 16 of the PDGFRA gene, results from a C to T substitution at nucleotide position 2410. This changes the amino acid from an arginine to a stop codon within coding exon 16. This alteration is expected to result in loss of function by premature protein truncation or nonsense-mediated mRNA decay. However, loss of function of PDGFRA has not been established as a mechanism of disease. Based on the available evidence, the clinical significance of this alteration remains unclear.

Labcorp Genetics (formerly Invitae), Labcorp
Classification: Uncertain significance for Gastrointestinal stromal tumor. Last evaluated: 2024-08-22. Review status: criteria provided, single submitter. Criteria: Invitae Variant Classification Sherloc (09022015). Collection method: clinical testing. Allele origin: germline.
Comment: This sequence change creates a premature translational stop signal (p.Arg804*) in the PDGFRA gene. It is expected to result in an absent or disrupted protein product. However, the current clinical and genetic evidence is not sufficient to establish whether loss-of-function variants in PDGFRA cause disease. This variant is present in population databases (no rsID available, gnomAD 0.007%). This variant has not been reported in the literature in individuals affected with PDGFRA-related conditions. ClinVar contains an entry for this variant (Variation ID: 1497446). Algorithms developed to predict the effect of sequence changes on RNA splicing suggest that this variant may disrupt the consensus splice site. In summary, the available evidence is currently insufficient to determine the role of this variant in disease. Therefore, it has been classified as a Variant of Uncertain Significance.

NM_006206.6(PDGFRA):c.2410C>T (p.Arg804Ter)

Gene: PDGFRA (platelet derived growth factor receptor alpha; plus strand). Cytogenetic location: 4q12.
Variant type: single nucleotide variant.
Coding change: c.2410C>T on transcript NM_006206.6 (MANE Select); coding-DNA position 2410, C replaced by T.
Protein change: p.Arg804Ter; replaces arginine 804 with a stop codon.
Molecular consequence: nonsense.
Genome position (GRCh38, 1-based): chr4:54,285,457, C>T. VCF-style: chr4-54285457-C-T. GRCh37 (hg19) VCF-style: chr4-55151624-C-T.
Other names: c.2485C>T, p.Arg829Ter (NM_001347828.2); c.2410C>T, p.Arg804Ter (NM_001347829.2); c.2449C>T, p.Arg817Ter (NM_001347830.2); c.2410C>T (NM_006206.4); short protein forms R817*, R829*, R804*.
Identifiers: ClinVar variation 1497446 (VCV001497446.7), dbSNP rs1242960071, ClinGen allele CA356894768.
Genomic context (GRCh38, chr4:54,285,457, plus strand): 5'-GATGATAACTCAGAAGGCCTTACTTTATTGGATTTGTTGAGCTTCACCTATCAAGTTGCC[C>T]GAGGAATGGAGTTTTTGGCTTCAAAAAATGTAAGTTCAAGGAACACAGACCTTTTTAGAC-3'